The following is an entry in ClinVar:

NM_001372066.1(TFAP2A):c.872T>G (p.Leu291Arg)

Gene: TFAP2A (transcription factor AP-2 alpha; minus strand). Cytogenetic location: 6p24.3.
Variant type: single nucleotide variant.
Coding change: c.872T>G on transcript NM_001372066.1 (MANE Select); coding-DNA position 872, T replaced by G.
Protein change: p.Leu291Arg; replaces leucine 291 with arginine.
Molecular consequence: missense variant.
Genome position (GRCh38, 1-based): chr6:10,402,509, A>C on the plus strand (T>G on the coding strand, the complement: TFAP2A is on the minus strand). VCF-style: chr6-10402509-A-C. GRCh37 (hg19) VCF-style: chr6-10402742-A-C.
Other names: c.848T>G, p.Leu283Arg (NM_001032280.3); c.854T>G, p.Leu285Arg (NM_001042425.3); short protein forms L283R, L285R, L291R.
Identifiers: ClinVar variation 4725812 (VCV004725812.1).
Genomic context (GRCh38, chr6:10,402,509, plus strand): 5'-CCAAGAAGGAAGTTCCTTCTAGTTAGCAAGTGGATTCGCTTACCCTCTACTAGTGATGTG[A>C]GCAGGGTAACGTTGGCAGCTTTACGTCTCCCTGCAGGCAGATTTAATCCTATTTTGTCCA-3'
Protein context (NP_001358995.1, residues 281-301): GRRKAANVTL[Leu291Arg]TSLVEGEAVH

ClinVar aggregate classification (germline): Uncertain significance (1 of 4 stars; one submission).

Submission:

Labcorp Genetics (formerly Invitae), Labcorp
Classification: Uncertain significance. Last evaluated: 2025-03-13. Review status: criteria provided, single submitter. Criteria: Invitae Variant Classification Sherloc (09022015). Collection method: clinical testing. Allele origin: germline.
Comment: This sequence change replaces leucine, which is neutral and non-polar, with arginine, which is basic and polar, at codon 289 of the TFAP2A protein (p.Leu289Arg). This variant is not present in population databases (gnomAD no frequency). This variant has not been reported in the literature in individuals affected with TFAP2A-related conditions. Invitae Evidence Modeling of protein sequence and biophysical properties (such as structural, functional, and spatial information, amino acid conservation, physicochemical variation, residue mobility, and thermodynamic stability) indicates that this missense variant is expected to disrupt TFAP2A protein function with a positive predictive value of 80%. In summary, the available evidence is currently insufficient to determine the role of this variant in disease. Therefore, it has been classified as a Variant of Uncertain Significance.